The following is an entry in ClinVar:

NM_012309.5(SHANK2):c.1896dup (p.Asp633fs)

Gene: SHANK2 (SH3 and multiple ankyrin repeat domains 2; minus strand). Cytogenetic location: 11q13.4.
Variant type: Duplication.
Coding change: c.1896dup on transcript NM_012309.5 (MANE Select); coding-DNA position 1896, one base duplicated (A; older notation c.1896dupA).
Protein change: p.Asp633fs; shifts the reading frame from aspartic acid 633.
Molecular consequence: frameshift variant. On other transcripts: non-coding transcript variant (1).
Genome position (GRCh38, 1-based): chr11:70,661,636, T duplicated on the plus strand (A on the coding strand, the reverse complement: SHANK2 is on the minus strand); the first of 6 consecutive T bases (chr11:70,661,636-70,661,641); duplicating any one gives the same sequence. VCF-style (leftmost placement, unchanged base first): chr11-70661635-C-CT. GRCh37 (hg19) VCF-style: chr11-70507740-C-CT.
Other names: c.759dup, p.Asp254fs (NM_001379226.1); c.132dup, p.Asp45fs (NM_133266.5); short protein forms D633fs, D45fs, D254fs.
Identifiers: ClinVar variation 224127 (VCV000224127.12), dbSNP rs1555013332, ClinGen allele CA354073.

ClinVar aggregate classification (germline): Pathogenic. Review status: criteria provided, multiple submitters, no conflicts (2 of 4 stars). 2 submissions from 2 submitters: Pathogenic (2). Last evaluated 2025-05-01.

Conditions:
Autism, susceptibility to, 17. Also called: Autism susceptibility 17. Identifiers: MedGen C3150693, MONDO:0013265, OMIM 613436.

Submissions (2):

CeGaT Center for Human Genetics Tuebingen
Classification: Pathogenic. Last evaluated: 2025-05-01. Review status: criteria provided, single submitter. Criteria: CeGaT Center For Human Genetics Tuebingen Variant Classification Criteria Version 2. Collection method: clinical testing. Allele origin: germline. Affected: yes. Observed: 1 variant allele.
Comment: SHANK2: PS2, PVS1:Strong, PM2, PS4:Moderate

HudsonAlpha Institute for Biotechnology
Classification: Pathogenic for Autism, susceptibility to, 17. Last evaluated: 2016-11-10. Review status: criteria provided, single submitter. Criteria: HA_assertions_20161101. Collection method: research. Allele origin: de novo. Affected: yes. Observed: 1 variant allele. Study: CSER-HudsonAlpha.